The following is an entry in ClinVar:

ClinVar aggregate classification (germline): Uncertain significance (1 of 4 stars; one submission).

Allele frequency attached by ClinVar (database versions not stated): gnomAD 0.00001.
gnomAD v4.1: 1 of 1,612,862 alleles (0.000062%); highest among the groups gnomAD compares: Admixed American, 0.0017%; no homozygotes.

Submission:

Ambry Genetics
Classification: Uncertain significance. Last evaluated: 2022-11-04. Review status: criteria provided, single submitter. Criteria: Ambry Variant Classification Scheme 2023. Collection method: clinical testing. Allele origin: germline.
Comment: The p.F989L variant (also known as c.2965T>C), located in coding exon 24 of the BUB1 gene, results from a T to C substitution at nucleotide position 2965. The phenylalanine at codon 989 is replaced by leucine, an amino acid with highly similar properties. This amino acid position is conserved. In addition, this alteration is predicted to be deleterious by in silico analysis. Since supporting evidence is limited at this time, the clinical significance of this alteration remains unclear.

NM_004336.5(BUB1):c.2965T>C (p.Phe989Leu)

Gene: BUB1 (BUB1 mitotic checkpoint serine/threonine kinase; minus strand). Cytogenetic location: 2q13.
Variant type: single nucleotide variant.
Coding change: c.2965T>C on transcript NM_004336.5 (MANE Select); coding-DNA position 2965, T replaced by C.
Protein change: p.Phe989Leu; replaces phenylalanine 989 with leucine.
Molecular consequence: missense variant.
Genome position (GRCh38, 1-based): chr2:110,639,839, A>G on the plus strand (T>C on the coding strand, the complement: BUB1 is on the minus strand). VCF-style: chr2-110639839-A-G. GRCh37 (hg19) VCF-style: chr2-111397416-A-G.
Other names: c.2905T>C, p.Phe969Leu (NM_001278616.2); c.2794T>C, p.Phe932Leu (NM_001278617.2); short protein forms F932L, F969L, F989L.
Identifiers: ClinVar variation 2465050 (VCV002465050.2), dbSNP rs1689456393, ClinGen allele CA348088881.